The following is an entry in ClinVar:

NM_001347.4(DGKQ):c.633C>T (p.Ala211=)

Gene: DGKQ (diacylglycerol kinase theta; minus strand). Cytogenetic location: 4p16.3.
Variant type: single nucleotide variant.
Coding change: c.633C>T on transcript NM_001347.4 (MANE Select); coding-DNA position 633, C replaced by T.
Protein change: p.Ala211=; no amino-acid change (alanine 211 retained).
Molecular consequence: synonymous variant.
Genome position (GRCh38, 1-based): chr4:968,312, G>A on the plus strand (C>T on the coding strand, the complement: DGKQ is on the minus strand). VCF-style: chr4-968312-G-A. GRCh37 (hg19) VCF-style: chr4-962100-G-A.
Identifiers: ClinVar variation 3056660 (VCV003056660.2), dbSNP rs76581432, ClinGen allele CA2800864.

ClinVar aggregate classification (germline): Benign (0 of 4 stars; one submission).

Conditions:
DGKQ-related disorder. Also called: DGKQ-related condition.

Allele frequency attached by ClinVar (database versions not stated): ExAC 0.00869; 1000 Genomes Project 30x 0.01874; ESP Exome Variant Server 0.02032; TOPMed 0.02080; 1000 Genomes Project 0.02137; gnomAD 0.08218.
gnomAD v4.1: 4,545 of 1,122,878 alleles (0.4%); highest among the groups gnomAD compares: African/African-American, 11%; 135 homozygotes.

Submission:

PreventionGenetics, part of Exact Sciences
Classification: Benign for DGKQ-related condition. Last evaluated: 2019-02-18. Review status: no assertion criteria provided. Collection method: clinical testing. Allele origin: germline.
Comment: This variant is classified as benign based on ACMG/AMP sequence variant interpretation guidelines (Richards et al. 2015 PMID: 25741868, with internal and published modifications).